The following is an entry in ClinVar:

ClinVar aggregate classification (germline): Uncertain significance. Review status: criteria provided, multiple submitters, no conflicts (2 of 4 stars). 2 submissions from 2 submitters: Uncertain significance (2). Last evaluated 2025-05-19.

Conditions:
Inborn genetic diseases. Identifiers: MedGen C0950123, MeSH D030342.
Fanconi anemia (FA). Also called: Fanconi's anemia. Identifiers: Orphanet 84, MedGen C0015625, MeSH D005199, MONDO:0019391.

Allele frequency attached by ClinVar (database versions not stated): gnomAD exomes below 0.00001; TOPMed below 0.00001.
gnomAD v4.1: 3 of 1,610,842 alleles (0.00019%); highest among the groups gnomAD compares: Non-Finnish European, 0.00025%; no homozygotes.

Submissions (2):

Ambry Genetics
Classification: Uncertain significance for Inborn genetic diseases. Last evaluated: 2025-05-19. Review status: criteria provided, single submitter. Criteria: Ambry Variant Classification Scheme 2023. Collection method: clinical testing. Allele origin: germline.
Comment: The p.T704A variant (also known as c.2110A>G), located in coding exon 12 of the FANCM gene, results from an A to G substitution at nucleotide position 2110. The threonine at codon 704 is replaced by alanine, an amino acid with similar properties. This amino acid position is conserved. In addition, this alteration is predicted to be tolerated by in silico analysis. Based on the available evidence, the clinical significance of this variant remains unclear.

Labcorp Genetics (formerly Invitae), Labcorp
Classification: Uncertain significance for Fanconi anemia. Last evaluated: 2021-09-20. Review status: criteria provided, single submitter. Criteria: Invitae Variant Classification Sherloc (09022015). Collection method: clinical testing. Allele origin: germline.
Comment: In summary, the available evidence is currently insufficient to determine the role of this variant in disease. Therefore, it has been classified as a Variant of Uncertain Significance. Algorithms developed to predict the effect of missense changes on protein structure and function output the following: SIFT: "Tolerated"; PolyPhen-2: "Benign"; Align-GVGD: "Class C0". The alanine amino acid residue is found in multiple mammalian species, which suggests that this missense change does not adversely affect protein function. This variant has not been reported in the literature in individuals affected with FANCM-related conditions. This variant is not present in population databases (ExAC no frequency). This sequence change replaces threonine with alanine at codon 704 of the FANCM protein (p.Thr704Ala). The threonine residue is weakly conserved and there is a small physicochemical difference between threonine and alanine.

NM_020937.4(FANCM):c.2110A>G (p.Thr704Ala)

Gene: FANCM (FA complementation group M; plus strand). Cytogenetic location: 14q21.2.
Variant type: single nucleotide variant.
Coding change: c.2110A>G on transcript NM_020937.4 (MANE Select); coding-DNA position 2110, A replaced by G.
Protein change: p.Thr704Ala; replaces threonine 704 with alanine.
Molecular consequence: missense variant.
Genome position (GRCh38, 1-based): chr14:45,170,696, A>G. VCF-style: chr14-45170696-A-G. GRCh37 (hg19) VCF-style: chr14-45639899-A-G.
Other names: c.2032A>G, p.Thr678Ala (NM_001308133.2); short protein forms T678A, T704A.
Identifiers: ClinVar variation 841366 (VCV000841366.8), dbSNP rs1888283068, ClinGen allele CA389596206.
Genomic context (GRCh38, chr14:45,170,696, plus strand): 5'-GAATTTAAATTATGGAACAGACTTTATAGATTAAGGGACAGTGATGAAATTAAAGAGATA[A>G]CATTGCCTCAAGTTCAGTTTTCTTCTTTACAAAATGAGGAAAACAAACCAGTAAGTTGAA-3'
Protein context (NP_065988.1, residues 694-714): LRDSDEIKEI[Thr704Ala]LPQVQFSSLQ